The following is an entry in ClinVar:

NM_006734.4(HIVEP2):c.2380CCT[1] (p.Pro795del)

Gene: HIVEP2 (HIVEP zinc finger 2; minus strand). Cytogenetic location: 6q24.2.
Variant type: Microsatellite.
Coding change: c.2380CCT[1] on transcript NM_006734.4 (MANE Select); one copy of the 3-base unit CCT starting at c.2380; the reference has two copies in a row; one copy, 3 bases deleted.
Protein change: p.Pro795del; deletes proline 795.
Molecular consequence: inframe deletion.
Genome position (GRCh38, 1-based): chr6:142,772,354-142,772,356, AGG deleted on the plus strand (CCT on the coding strand, the reverse complement: HIVEP2 is on the minus strand); deleting any 3 consecutive bases within chr6:142,772,354-142,772,359 gives the same sequence; the position shown is the placement nearest the transcript's 3' end. VCF-style (leftmost placement, unchanged base first): chr6-142772353-CAGG-C. GRCh37 (hg19) VCF-style: chr6-143093490-CAGG-C.
Other names: short protein forms P795del.
Identifiers: ClinVar variation 1805681 (VCV001805681.4), dbSNP rs752240689, ClinGen allele CA4028423.

ClinVar aggregate classification (germline): Uncertain significance. Review status: criteria provided, multiple submitters, no conflicts (2 of 4 stars). 2 submissions from 2 submitters: Uncertain significance (2). Last evaluated 2024-01-11.

Conditions:
Intellectual developmental disorder, autosomal dominant 43. Also called: Intellectual disability, autosomal dominant 43. Identifiers: MedGen C4707429, MONDO:0014858, OMIM 616977.

Submissions (2):

Labcorp Genetics (formerly Invitae), Labcorp
Classification: Uncertain significance. Last evaluated: 2024-01-11. Review status: criteria provided, single submitter. Criteria: Invitae Variant Classification Sherloc (09022015). Collection method: clinical testing. Allele origin: germline.
Comment: This variant, c.2383_2385del, results in the deletion of 1 amino acid(s) of the HIVEP2 protein (p.Pro795del), but otherwise preserves the integrity of the reading frame. This variant is present in population databases (rs752240689, gnomAD 0.0009%). This variant has not been reported in the literature in individuals affected with HIVEP2-related conditions. ClinVar contains an entry for this variant (Variation ID: 1805681). Experimental studies and prediction algorithms are not available or were not evaluated, and the functional significance of this variant is currently unknown. In summary, the available evidence is currently insufficient to determine the role of this variant in disease. Therefore, it has been classified as a Variant of Uncertain Significance.

Victorian Clinical Genetics Services, Murdoch Childrens Research Institute
Classification: Uncertain significance for Intellectual developmental disorder, autosomal dominant 43. Last evaluated: 2020-10-19. Review status: criteria provided, single submitter. Criteria: ACMG Guidelines, 2015. Collection method: clinical testing. Allele origin: germline. Inheritance: Autosomal dominant inheritance.
Comment: Based on the classification scheme VCGS_Germline_v0.6.1, this variant is classified as 3C-VUS. Following criteria are met: 0102 - Loss of function is a known mechanism of disease for this gene. 0107 - This gene is known to be associated with autosomal dominant disease. 0213 - In-frame insertion/deletion in a non-repetitive region that has high conservation (exon 5). 0301 - Variant is present in gnomAD (1 heterozygote, 0 homozygotes). 0507 - Identified variant type is not compatible with in silico predictions of pathogenicity. 0604 - Variant is not located in an established domain, motif or hotspot. 0705 - No comparable variants in relevant codon/region have previous evidence for pathogenicity. 0807 - Variant has not previously been reported in a clinical context. 0905 - No published segregation evidence has been identified for this variant. 1007 - No published functional evidence has been identified for this variant.